The following is an entry in ClinVar:

NM_152468.5(TMC8):c.2135dup (p.Ala713fs)

Gene: TMC8 (transmembrane channel like 8; plus strand). Cytogenetic location: 17q25.3.
Variant type: Duplication.
Coding change: c.2135dup on transcript NM_152468.5 (MANE Select); coding-DNA position 2135, one base duplicated (C; older notation c.2135dupC).
Protein change: p.Ala713fs; shifts the reading frame from alanine 713.
Molecular consequence: frameshift variant.
Genome position (GRCh38, 1-based): chr17:78,141,066, C duplicated; the last of 4 consecutive C bases (chr17:78,141,063-78,141,066); duplicating any one gives the same sequence. VCF-style (leftmost placement, unchanged base first): chr17-78141062-G-GC. GRCh37 (hg19) VCF-style: chr17-76137143-G-GC.
Other names: short protein forms A713fs.
Identifiers: ClinVar variation 4750252 (VCV004750252.1).

ClinVar aggregate classification (germline): Uncertain significance (1 of 4 stars; one submission).

Conditions:
Epidermodysplasia verruciformis. Identifiers: Orphanet 302, MedGen C0014522, MONDO:0009176.

Submission:

Labcorp Genetics (formerly Invitae), Labcorp
Classification: Uncertain significance for Epidermodysplasia verruciformis. Last evaluated: 2026-01-07. Review status: criteria provided, single submitter. Criteria: Invitae Variant Classification Sherloc (09022015). Collection method: clinical testing. Allele origin: germline.
Comment: This sequence change is expected to alter the c-terminus of the TMC8 protein (p.Ala713Glyfs*98). While this is not anticipated to result in nonsense mediated decay, it is expected to disrupt the last 14 amino acid(s) of the TMC8 protein and extend the protein by 83 additional amino acid residues. This variant is present in population databases (rs781247824, gnomAD 0.007%). This variant has not been reported in the literature in individuals affected with TMC8-related conditions. Experimental studies and prediction algorithms are not available or were not evaluated, and the functional significance of this variant is currently unknown. In summary, the available evidence is currently insufficient to determine the role of this variant in disease. Therefore, it has been classified as a Variant of Uncertain Significance.